The following is an entry in ClinVar:

NM_017777.4(MKS1):c.537_538del (p.Arg180fs)

Gene: MKS1 (MKS transition zone complex subunit 1; minus strand). Cytogenetic location: 17q22.
Variant type: Deletion.
Coding change: c.537_538del on transcript NM_017777.4 (MANE Select); coding-DNA positions 537 to 538, 2 bases deleted (AC; older notation c.537_538delAC).
Protein change: p.Arg180fs; shifts the reading frame from arginine 180.
Molecular consequence: frameshift variant. On other transcripts: 5 prime UTR variant (1).
Genome position (GRCh38, 1-based): chr17:58,214,365-58,214,366, GT deleted on the plus strand (AC on the coding strand, the reverse complement: MKS1 is on the minus strand); deleting any 2 consecutive bases within chr17:58,214,365-58,214,367 gives the same sequence; the c. name uses the placement nearest the transcript's 3' end. VCF-style (leftmost placement, unchanged base first): chr17-58214364-CGT-C. GRCh37 (hg19) VCF-style: chr17-56291725-CGT-C.
Other names: c.-73_-72del (NM_001321268.2); c.537_538del, p.Arg180fs (NM_001321269.2, NM_001330397.2); c.536_537delCA, p.Arg180Hisfs (NM_001411113.1); short protein forms R180fs.
Identifiers: ClinVar variation 1724976 (VCV001724976.3), dbSNP rs2509445539, ClinGen allele CA2580094281.
Genomic context (GRCh38, chr17:58,214,364, plus strand): 5'-GGGGTGTTAATGACGTGGTTGTTCCTGACAAACTCTTCTGAGGGCTCCCAGGTGACGATG[CGT>C]GACTTGAGGATGCCGCCCTCCCTGGGAGACACCACAGAAAGGTCACTTCCCTGGCACACC-3'

ClinVar aggregate classification (germline): Likely pathogenic (1 of 4 stars; one submission).

Conditions:
Ciliopathy. Also called: Ciliopathies. Identifiers: Orphanet 363250, MedGen C4277690, MONDO:0005308, MeSH D000072661.

Submission:

Myriad Genetics, Inc.
Classification: Likely pathogenic for Ciliopathy. Last evaluated: 2022-03-03. Review status: criteria provided, single submitter. Criteria: Myriad Autosomal Dominant, Autosomal Recessive and X-Linked Classification Criteria (2023). Collection method: clinical testing. Allele origin: unknown.
Comment: NM_017777.3(MKS1):c.537_538delAC(R180Hfs*18) is expected to be pathogenic in the context of MKS1-related disorders. This variant is predicted to lead to an abnormal or absent protein product due to the creation of a premature termination codon in MKS1, a gene where loss-of-function variants are known to be pathogenic. Please note: this variant was assessed in the context of healthy population screening.